The following is an entry in ClinVar:

NM_000264.5(PTCH1):c.1535T>C (p.Val512Ala)

Gene: PTCH1 (patched 1; minus strand). Cytogenetic location: 9q22.32.
Variant type: single nucleotide variant.
Coding change: c.1535T>C on transcript NM_000264.5 (MANE Select); coding-DNA position 1535, T replaced by C.
Protein change: p.Val512Ala; replaces valine 512 with alanine.
Molecular consequence: missense variant. On other transcripts: non-coding transcript variant (1).
Genome position (GRCh38, 1-based): chr9:95,476,826, A>G on the plus strand (T>C on the coding strand, the complement: PTCH1 is on the minus strand). VCF-style: chr9-95476826-A-G. GRCh37 (hg19) VCF-style: chr9-98239108-A-G.
Other names: c.1337T>C, p.Val446Ala (NM_001083602.3); c.1532T>C, p.Val511Ala (NM_001083603.3); c.1082T>C, p.Val361Ala (NM_001083604.3, NM_001083605.3, NM_001083606.3 and 1 more transcripts); c.1379T>C, p.Val460Ala (NM_001354918.2); short protein forms V361A, V446A, V460A, V511A, V512A.
Identifiers: ClinVar variation 3230940 (VCV003230940.1), dbSNP rs2118284080, ClinGen allele CA374118293.

ClinVar aggregate classification (germline): Uncertain significance (1 of 4 stars; one submission).

Conditions:
Hereditary cancer-predisposing syndrome. Also called: Neoplastic Syndromes, Hereditary; Tumor predisposition; Hereditary neoplastic syndrome; Hereditary Cancer Syndrome. Identifiers: Orphanet 140162, MedGen C0027672, MeSH D009386, MONDO:0015356.

Submission:

Ambry Genetics
Classification: Uncertain significance for Hereditary cancer-predisposing syndrome. Last evaluated: 2024-02-11. Review status: criteria provided, single submitter. Criteria: Ambry Variant Classification Scheme 2023. Collection method: clinical testing. Allele origin: germline.
Comment: The p.V512A variant (also known as c.1535T>C), located in coding exon 11 of the PTCH1 gene, results from a T to C substitution at nucleotide position 1535. The valine at codon 512 is replaced by alanine, an amino acid with similar properties. This amino acid position is conserved. In addition, this alteration is predicted to be deleterious by in silico analysis. Based on the available evidence, the clinical significance of this alteration remains unclear.